The following is an entry in ClinVar:

NM_152713.5(STT3A):c.1916T>G (p.Met639Arg)

Gene: STT3A (STT3 oligosaccharyltransferase complex catalytic subunit A; plus strand). Cytogenetic location: 11q24.2.
Variant type: single nucleotide variant.
Coding change: c.1916T>G on transcript NM_152713.5 (MANE Select); coding-DNA position 1916, T replaced by G.
Protein change: p.Met639Arg; replaces methionine 639 with arginine.
Molecular consequence: missense variant.
Genome position (GRCh38, 1-based): chr11:125,618,514, T>G. VCF-style: chr11-125618514-T-G. GRCh37 (hg19) VCF-style: chr11-125488409-T-G.
Other names: c.1916T>G, p.Met639Arg (NM_001278503.2); c.1640T>G, p.Met547Arg (NM_001278504.2); short protein forms M547R, M639R.
Identifiers: ClinVar variation 4526371 (VCV004526371.1).

ClinVar aggregate classification (germline): Uncertain significance (1 of 4 stars; one submission).

gnomAD v4.1: 1 of 1,614,062 alleles (0.000062%); highest among the groups gnomAD compares: Non-Finnish European, 0.000085%; no homozygotes.

Submission:

Centre of Medical Genetics, University Hospital Muenster
Classification: Uncertain significance. Last evaluated: 2025-10-06. Review status: criteria provided, single submitter. Criteria: ACMG Guidelines, 2015. Collection method: clinical testing. Allele origin: unknown. Affected: yes. Observed: 1 variant allele, 1 heterozygote.
Comment: ACMG categories: PM2_sup,PP2,PP3_mod,BS2